The following is an entry in ClinVar:

NM_001696.4(ATP6V1E1):c.444G>C (p.Val148=)

Gene: ATP6V1E1 (ATPase H+ transporting V1 subunit E1; minus strand). Cytogenetic location: 22q11.21.
Variant type: single nucleotide variant.
Coding change: c.444G>C on transcript NM_001696.4 (MANE Select); coding-DNA position 444, G replaced by C.
Protein change: p.Val148=; no amino-acid change (valine 148 retained).
Molecular consequence: synonymous variant.
Genome position (GRCh38, 1-based): chr22:17,598,280, C>G on the plus strand (G>C on the coding strand, the complement: ATP6V1E1 is on the minus strand). VCF-style: chr22-17598280-C-G. GRCh37 (hg19) VCF-style: chr22-18081046-C-G.
Other names: c.378G>C, p.Val126= (NM_001039366.1); c.354G>C, p.Val118= (NM_001039367.1); c.444G>C (NM_001696.3).
Identifiers: ClinVar variation 1666061 (VCV001666061.10), dbSNP rs200844005, ClinGen allele CA10090072.
Genomic context (GRCh38, chr22:17,598,280, plus strand): 5'-GTCAATTTGGACATCAACATCGTTTTTGGTGGCAATTTTGTACATAGGAATTGCCTTCTG[C>G]ACTGCAGCCTGGAAGTATAGAACACAATGAGAGGTGTCACTAGGAACTATGAAGCAAGTA-3'
Protein context (NP_001687.1, residues 138-158): KQDFPLVKAA[Val148=]QKAIPMYKIA

ClinVar aggregate classification (germline): Likely benign. Review status: criteria provided, single submitter (1 of 4 stars). 2 submissions from 2 submitters: Likely benign (1). 1 of the submissions does not count toward it. Last evaluated 2025-07-02.

Conditions:
ATP6V1E1-related disorder. Also called: ATP6V1E1-related condition.

Allele frequency attached by ClinVar (database versions not stated): TOPMed 0.00007; gnomAD 0.00012 and 0.00014; 1000 Genomes Project 30x 0.00016; 1000 Genomes Project 0.00020; gnomAD exomes 0.00035; ExAC 0.00041.
gnomAD v4.1: 332 of 1,613,146 alleles (0.021%); highest among the groups gnomAD compares: Non-Finnish European, 0.017%; no homozygotes.

Submissions (2):

Labcorp Genetics (formerly Invitae), Labcorp
Classification: Likely benign. Last evaluated: 2025-07-02. Review status: criteria provided, single submitter. Criteria: Invitae Variant Classification Sherloc (09022015). Collection method: clinical testing. Allele origin: germline.

PreventionGenetics, part of Exact Sciences
Classification: Likely benign for ATP6V1E1-related condition. Last evaluated: 2019-10-30. Review status: no assertion criteria provided. Collection method: clinical testing. Allele origin: germline. Not counted in ClinVar's aggregate classification.
Comment: This variant is classified as likely benign based on ACMG/AMP sequence variant interpretation guidelines (Richards et al. 2015 PMID: 25741868, with internal and published modifications).